The following is an entry in ClinVar:

NM_001130438.3(SPTAN1):c.3444G>T (p.Lys1148Asn)

Gene: SPTAN1 (spectrin alpha, non-erythrocytic 1; plus strand). Cytogenetic location: 9q34.11.
Variant type: single nucleotide variant.
Coding change: c.3444G>T on transcript NM_001130438.3 (MANE Select); coding-DNA position 3444, G replaced by T.
Protein change: p.Lys1148Asn; replaces lysine 1148 with asparagine.
Molecular consequence: missense variant.
Genome position (GRCh38, 1-based): chr9:128,598,429, G>T. VCF-style: chr9-128598429-G-T. GRCh37 (hg19) VCF-style: chr9-131360708-G-T.
Other names: c.3384G>T, p.Lys1128Asn (NM_001195532.2, NM_001363765.2, NM_001375314.2); c.3444G>T, p.Lys1148Asn (NM_001363759.2, NM_001375310.1, NM_001375311.2 and 2 more transcripts); c.3480G>T, p.Lys1160Asn (NM_001375312.2, NM_001375318.1); short protein forms K1160N, K1128N, K1148N.
Identifiers: ClinVar variation 1990830 (VCV001990830.4), dbSNP rs1854607385, ClinGen allele CA375062279.

ClinVar aggregate classification (germline): Uncertain significance (1 of 4 stars; one submission).

Conditions:
Early-infantile DEE. Also called: Early infantile epileptic encephalopathy with suppression bursts; Early infantile epileptic encephalopathy; Ohtahara syndrome. Identifiers: Orphanet 1934, MedGen C0393706, MONDO:0800491.

Allele frequency attached by ClinVar (database versions not stated): gnomAD exomes below 0.00001.
gnomAD v4.1: 3 of 1,613,378 alleles (0.00019%); highest among the groups gnomAD compares: Non-Finnish European, 0.00025%; no homozygotes.

Submission:

Labcorp Genetics (formerly Invitae), Labcorp
Classification: Uncertain significance for Early-infantile DEE. Last evaluated: 2022-08-03. Review status: criteria provided, single submitter. Criteria: Invitae Variant Classification Sherloc (09022015). Collection method: clinical testing. Allele origin: germline.
Comment: In summary, the available evidence is currently insufficient to determine the role of this variant in disease. Therefore, it has been classified as a Variant of Uncertain Significance. Algorithms developed to predict the effect of missense changes on protein structure and function (SIFT, PolyPhen-2, Align-GVGD) all suggest that this variant is likely to be tolerated. This variant has not been reported in the literature in individuals affected with SPTAN1-related conditions. This variant is not present in population databases (gnomAD no frequency). This sequence change replaces lysine, which is basic and polar, with asparagine, which is neutral and polar, at codon 1148 of the SPTAN1 protein (p.Lys1148Asn).